The following is an entry in ClinVar:

NM_001127208.3(TET2):c.379G>T (p.Val127Leu)

Genes: TET2 (tet methylcytosine dioxygenase 2; plus strand), TET2-AS1 (TET2 antisense RNA 1; minus strand). Cytogenetic location: 4q24.
Variant type: single nucleotide variant.
Coding change: c.379G>T on transcript NM_001127208.3 (MANE Select); coding-DNA position 379, G replaced by T.
Protein change: p.Val127Leu; replaces valine 127 with leucine.
Molecular consequence: missense variant.
Genome position (GRCh38, 1-based): chr4:105,234,321, G>T. VCF-style: chr4-105234321-G-T. GRCh37 (hg19) VCF-style: chr4-106155478-G-T.
Other names: c.379G>T, p.Val127Leu (NM_017628.4); short protein forms V127L.
Identifiers: ClinVar variation 4827261 (VCV004827261.1).

ClinVar aggregate classification (germline): Uncertain significance (1 of 4 stars; one submission).

Submission:

Ambry Genetics
Classification: Uncertain significance. Last evaluated: 2026-03-10. Review status: criteria provided, single submitter. Criteria: Ambry Variant Classification Scheme 2023. Collection method: clinical testing. Allele origin: germline.
Comment: The p.V127L variant (also known as c.379G>T), located in coding exon 1 of the TET2 gene, results from a G to T substitution at nucleotide position 379. The valine at codon 127 is replaced by leucine, an amino acid with highly similar properties. This amino acid position is conserved. In addition, this alteration is predicted to be tolerated by in silico analysis. Based on the available evidence, the clinical significance of this variant remains unclear.